The following is an entry in ClinVar:

NM_170606.3(KMT2C):c.9979G>A (p.Val3327Ile)

Gene: KMT2C (lysine methyltransferase 2C; minus strand). Cytogenetic location: 7q36.1.
Variant type: single nucleotide variant.
Coding change: c.9979G>A on transcript NM_170606.3 (MANE Select); coding-DNA position 9979, G replaced by A.
Protein change: p.Val3327Ile; replaces valine 3327 with isoleucine.
Molecular consequence: missense variant.
Genome position (GRCh38, 1-based): chr7:152,163,598, C>T on the plus strand (G>A on the coding strand, the complement: KMT2C is on the minus strand). VCF-style: chr7-152163598-C-T. GRCh37 (hg19) VCF-style: chr7-151860683-C-T.
Other names: short protein forms V3327I.
Identifiers: ClinVar variation 1696026 (VCV001696026.1), dbSNP rs868100053, ClinGen allele CA169231695.

ClinVar aggregate classification (germline): Uncertain significance (1 of 4 stars; one submission).

Submission:

Women's Health and Genetics/Laboratory Corporation of America, LabCorp
Classification: Uncertain significance. Last evaluated: 2022-05-25. Review status: criteria provided, single submitter. Criteria: LabCorp Variant Classification Summary - May 2015. Collection method: clinical testing. Allele origin: germline.
Comment: Variant summary: KMT2C c.9979G>A (p.Val3327Ile) results in a conservative amino acid change in the encoded protein sequence. Five of five in-silico tools predict a benign effect of the variant on protein function. The variant was absent in 244752 control chromosomes. The available data on variant occurrences in the general population are insufficient to allow any conclusion about variant significance. To our knowledge, no occurrence of c.9979G>A in individuals affected with Kleefstra Syndrome 2 and no experimental evidence demonstrating its impact on protein function have been reported. No clinical diagnostic laboratories have submitted clinical-significance assessments for this variant to ClinVar after 2014. Based on the evidence outlined above, the variant was classified as uncertain significance.